The following is an entry in ClinVar:

ClinVar aggregate classification (germline): Uncertain significance (1 of 4 stars; one submission).

Conditions:
Cardiovascular phenotype. Identifiers: MedGen CN230736.
Hereditary cancer-predisposing syndrome. Also called: Neoplastic Syndromes, Hereditary; Tumor predisposition; Hereditary Cancer Syndrome; Hereditary neoplastic syndrome. Identifiers: Orphanet 140162, MedGen C0027672, MeSH D009386, MONDO:0015356.

Submission:

Ambry Genetics
Classification: Uncertain significance for Cardiovascular phenotype; Hereditary cancer-predisposing syndrome. Last evaluated: 2025-10-08. Review status: criteria provided, single submitter. Criteria: Ambry Variant Classification Scheme 2023. Collection method: clinical testing. Allele origin: germline.
Comment: The c.592_593+2delAGGT variant results from a deletion of 4 nucleotides between positions 592 and 593+2 and involves the canonical splice donor site after coding exon 6 of the LZTR1 gene. Alterations that disrupt the canonical splice site are expected to result in aberrant splicing. A resulting transcript is predicted to be in-frame and is not expected to trigger nonsense-mediated mRNA decay. In silico splice site analysis predicts that this alteration will weaken the native splice donor site; however, direct evidence is insufficient at this time (Ambry internal data). The canonical splice donor site is highly conserved in available vertebrate species. Based on the available evidence, the clinical significance of this variant remains unclear.

NM_006767.4(LZTR1):c.592_593+2del

Gene: LZTR1 (leucine zipper like post translational regulator 1; plus strand). Cytogenetic location: 22q11.21.
Variant type: Deletion.
Coding change: c.592_593+2del on transcript NM_006767.4 (MANE Select); coding-DNA position 592 through the canonical splice donor site of the intron after coding-DNA position 593, 4 bases deleted (AGGT; older notation c.592_593+2delAGGT).
Molecular consequence: splice donor variant.
Genome position (GRCh38, 1-based): chr22:20,988,871-20,988,874, AGGT deleted. VCF-style (leftmost placement, unchanged base first): chr22-20988870-CAGGT-C. GRCh37 (hg19) VCF-style: chr22-21343159-CAGGT-C.
Identifiers: ClinVar variation 4615616 (VCV004615616.1).